The following is an entry in ClinVar:

NM_001346754.2(PIGW):c.1112T>C (p.Leu371Ser)

Genes: MYO19 (myosin XIX; minus strand), PIGW (phosphatidylinositol glycan anchor biosynthesis class W; plus strand). Cytogenetic location: 17q12.
Variant type: single nucleotide variant.
Coding change: c.1112T>C on transcript NM_001346754.2 (MANE Select); coding-DNA position 1112, T replaced by C.
Protein change: p.Leu371Ser; replaces leucine 371 with serine.
Molecular consequence: missense variant.
Genome position (GRCh38, 1-based): chr17:36,538,213, T>C. VCF-style: chr17-36538213-T-C. GRCh37 (hg19) VCF-style: chr17-34894062-T-C.
Other names: c.1112T>C, p.Leu371Ser (NM_001346755.2, NM_178517.5); short protein forms L371S.
Identifiers: ClinVar variation 1992668 (VCV001992668.4), dbSNP rs1176804592, ClinGen allele CA399164269.

ClinVar aggregate classification (germline): Uncertain significance (1 of 4 stars; one submission).

Conditions:
Hyperphosphatasia with intellectual disability syndrome 5 (GPIBD11). Also called: GLYCOSYLPHOSPHATIDYLINOSITOL BIOSYNTHESIS DEFECT 11. Identifiers: Orphanet 247262, MedGen C4014958, MONDO:0014457, OMIM 616025.

Allele frequency attached by ClinVar (database versions not stated): gnomAD exomes below 0.00001; TOPMed below 0.00001; gnomAD 0.00001.
gnomAD v4.1: 2 of 1,613,124 alleles (0.00012%); highest among the groups gnomAD compares: African/African-American, 0.0027%; no homozygotes.

Submission:

Labcorp Genetics (formerly Invitae), Labcorp
Classification: Uncertain significance for Hyperphosphatasia with intellectual disability syndrome 5. Last evaluated: 2022-05-10. Review status: criteria provided, single submitter. Criteria: Invitae Variant Classification Sherloc (09022015). Collection method: clinical testing. Allele origin: germline.
Comment: This variant is not present in population databases (gnomAD no frequency). In summary, the available evidence is currently insufficient to determine the role of this variant in disease. Therefore, it has been classified as a Variant of Uncertain Significance. Algorithms developed to predict the effect of missense changes on protein structure and function are either unavailable or do not agree on the potential impact of this missense change (SIFT: "Deleterious"; PolyPhen-2: "Probably Damaging"; Align-GVGD: "Class C15"). This variant has not been reported in the literature in individuals affected with PIGW-related conditions. This sequence change replaces leucine, which is neutral and non-polar, with serine, which is neutral and polar, at codon 371 of the PIGW protein (p.Leu371Ser).